The following is an entry in ClinVar:

NM_000168.6(GLI3):c.1874G>A (p.Arg625Gln)

Gene: GLI3 (GLI family zinc finger 3; minus strand). Cytogenetic location: 7p14.1.
Variant type: single nucleotide variant.
Coding change: c.1874G>A on transcript NM_000168.6 (MANE Select); coding-DNA position 1874, G replaced by A.
Protein change: p.Arg625Gln; replaces arginine 625 with glutamine.
Molecular consequence: missense variant.
Genome position (GRCh38, 1-based): chr7:41,972,566, C>T on the plus strand (G>A on the coding strand, the complement: GLI3 is on the minus strand). VCF-style: chr7-41972566-C-T. GRCh37 (hg19) VCF-style: chr7-42012165-C-T.
Other names: short protein forms R625Q.
Identifiers: ClinVar variation 528805 (VCV000528805.49), dbSNP rs1554306094, ClinGen allele CA367322654.

ClinVar aggregate classification (germline): Pathogenic. Review status: criteria provided, multiple submitters, no conflicts (2 of 4 stars). 3 submissions from 3 submitters: Pathogenic (3). Last evaluated 2025-03-31.

Conditions:
Pallister-Hall syndrome (PHS). Also called: GLI3-Related Pallister-Hall Syndrome; HYPOTHALAMIC HAMARTOBLASTOMA, HYPOPITUITARISM, IMPERFORATE ANUS, AND POSTAXIAL POLYDACTYLY. Identifiers: Orphanet 672, MedGen C0265220, MONDO:0007804, OMIM 146510.
Greig cephalopolysyndactyly syndrome (GCPS). Also called: Greig syndrome; GLI3-Related Greig Cephalopolysyndactyly Syndrome; POLYSYNDACTYLY WITH PECULIAR SKULL SHAPE. Identifiers: Orphanet 380, MedGen C0265306, MONDO:0008287, OMIM 175700.

Submissions (3):

Greenwood Genetic Center Diagnostic Laboratories, Greenwood Genetic Center
Classification: Pathogenic for Greig cephalopolysyndactyly syndrome. Last evaluated: 2025-03-31. Review status: criteria provided, single submitter. Criteria: ACMG Guidelines, 2015. Collection method: clinical testing. Allele origin: germline. Affected: yes.
Comment: PS2, PS4_Moderate, PM2, PM5_Supporting, PP3

Labcorp Genetics (formerly Invitae), Labcorp
Classification: Pathogenic for Pallister-Hall syndrome; Greig cephalopolysyndactyly syndrome. Last evaluated: 2025-03-18. Review status: criteria provided, single submitter. Criteria: Invitae Variant Classification Sherloc (09022015). Collection method: clinical testing. Allele origin: germline.
Comment: This sequence change replaces arginine, which is basic and polar, with glutamine, which is neutral and polar, at codon 625 of the GLI3 protein (p.Arg625Gln). This variant is not present in population databases (gnomAD no frequency). This missense change has been observed in individual(s) with Greig Cephalopolysyndactyly syndrome (PMID: 15739154, 24736735). In at least one individual the variant was observed to be de novo. ClinVar contains an entry for this variant (Variation ID: 528805). Invitae Evidence Modeling of protein sequence and biophysical properties (such as structural, functional, and spatial information, amino acid conservation, physicochemical variation, residue mobility, and thermodynamic stability) has been performed for this missense variant. However, the output from this modeling did not meet the statistical confidence thresholds required to predict the impact of this variant on GLI3 protein function. This variant disrupts the p.Arg625 amino acid residue in GLI3. Other variant(s) that disrupt this residue have been determined to be pathogenic (PMID: 15739154). This suggests that this residue is clinically significant, and that variants that disrupt this residue are likely to be disease-causing. For these reasons, this variant has been classified as Pathogenic.

CeGaT Center for Human Genetics Tuebingen
Classification: Pathogenic. Last evaluated: 2019-01-01. Review status: criteria provided, single submitter. Criteria: CeGaT Center For Human Genetics Tuebingen Variant Classification Criteria Version 2. Collection method: clinical testing. Allele origin: germline. Affected: yes. Observed: 2 variant alleles.

Literature cited by the submitters: PubMed 15739154 (cited by Labcorp Genetics (formerly Invitae), Labcorp); PubMed 24736735 (cited by Labcorp Genetics (formerly Invitae), Labcorp).